The following is an entry in ClinVar:

ClinVar aggregate classification (germline): Pathogenic (1 of 4 stars; one submission).

Conditions:
Hereditary cancer-predisposing syndrome. Also called: Neoplastic Syndromes, Hereditary; Tumor predisposition; Hereditary Cancer Syndrome; Hereditary neoplastic syndrome. Identifiers: Orphanet 140162, MedGen C0027672, MeSH D009386, MONDO:0015356.

Submission:

Ambry Genetics
Classification: Pathogenic for Hereditary cancer-predisposing syndrome. Last evaluated: 2019-05-21. Review status: criteria provided, single submitter. Criteria: Ambry Variant Classification Scheme 2023. Collection method: clinical testing. Allele origin: germline.
Comment: The c.1644delC pathogenic mutation, located in coding exon 10 of the ATM gene, results from a deletion of one nucleotide at nucleotide position 1644, causing a translational frameshift with a predicted alternate stop codon (p.S549Vfs*2). This alteration is expected to result in loss of function by premature protein truncation or nonsense-mediated mRNA decay. As such, this alteration is interpreted as a disease-causing mutation.

NM_000051.4(ATM):c.1644del (p.Ser549fs)

Gene: ATM (ATM serine/threonine kinase; plus strand). Cytogenetic location: 11q22.3.
Variant type: Deletion.
Coding change: c.1644del on transcript NM_000051.4 (MANE Select); coding-DNA position 1644, one base deleted (C; older notation c.1644delC).
Protein change: p.Ser549fs; shifts the reading frame from serine 549.
Molecular consequence: frameshift variant.
Genome position (GRCh38, 1-based): chr11:108,251,873, C deleted; the last of 2 consecutive C bases (chr11:108,251,872-108,251,873); deleting either gives the same sequence. VCF-style (leftmost placement, unchanged base first): chr11-108251871-AC-A. GRCh37 (hg19) VCF-style: chr11-108122598-AC-A.
Other names: c.1644del, p.Ser549fs (NM_001351834.2); short protein forms S549fs.
Identifiers: ClinVar variation 819717 (VCV000819717.4), dbSNP rs1591527355, ClinGen allele CA915948351.